The following is an entry in ClinVar:

ClinVar aggregate classification (germline): Uncertain significance (1 of 4 stars; one submission).

Submission:

GeneDx
Classification: Uncertain significance. Last evaluated: 2023-07-25. Review status: criteria provided, single submitter. Criteria: GeneDx Variant Classification Process June 2021. Collection method: clinical testing. Allele origin: germline. Affected: yes.
Comment: Not observed at significant frequency in large population cohorts (gnomAD); In silico analysis supports that this missense variant has a deleterious effect on protein structure/function; Has not been previously published as pathogenic or benign to our knowledge

NM_015001.3(SPEN):c.4615G>C (p.Asp1539His)

Gene: SPEN (spen family transcriptional repressor; plus strand). Cytogenetic location: 1p36.13.
Variant type: single nucleotide variant.
Coding change: c.4615G>C on transcript NM_015001.3 (MANE Select); coding-DNA position 4615, G replaced by C.
Protein change: p.Asp1539His; replaces aspartic acid 1539 with histidine.
Molecular consequence: missense variant.
Genome position (GRCh38, 1-based): chr1:15,930,855, G>C. VCF-style: chr1-15930855-G-C. GRCh37 (hg19) VCF-style: chr1-16257350-G-C.
Other names: short protein forms D1539H.
Identifiers: ClinVar variation 3361305 (VCV003361305.1).
Genomic context (GRCh38, chr1:15,930,855, plus strand): 5'-GAGCAAGAGAGGCAGGAATTGTTTGCTTCTCGTTTTTTACACAGCTCAATCTTTGAACAA[G>C]ATTCCAAGCGATTGCAGCATCTAGAGAGAAAAGAGGAAGATTCTGACTTCATTTCTGGTA-3'
Protein context (NP_055816.2, residues 1529-1549): RFLHSSIFEQ[Asp1539His]SKRLQHLERK